The following is an entry in ClinVar:

NC_000017.10:g.(18039139_18039730)_(18040994_18041428)del

Gene: MYO15A (myosin XVA; plus strand). Cytogenetic location: 17p11.2.
Variant type: Deletion.
Identifiers: ClinVar variation 3907290 (VCV003907290.1).

ClinVar aggregate classification (germline): Pathogenic (1 of 4 stars; one submission).

Conditions:
Autosomal recessive nonsyndromic hearing loss 3. Also called: NEUROSENSORY NONSYNDROMIC RECESSIVE DEAFNESS 3. Identifiers: Orphanet 90636, MedGen C1838263, MONDO:0010860, OMIM 600316.

Submission:

Women's Health and Genetics/Laboratory Corporation of America, LabCorp
Classification: Pathogenic for Autosomal recessive nonsyndromic hearing loss 3. Last evaluated: 2025-06-09. Review status: criteria provided, single submitter. Criteria: LabCorp Variant Classification Summary - May 2015. Collection method: clinical testing. Allele origin: germline.
Comment: Variant summary: The variant involves the deletion of exons 14-16 in the MYO15A gene. A presumed nomenclature of c.(4596+1_4597-1)_(4875+1_4876-1)del has been designated for the purposes of this classification. This Copy Number Variant (CNV) is predicted to result in an in-frame deletion within this gene. The variant was absent in 21694 control chromosomes. To our knowledge, no occurrence of c.(4596+1_4597-1)_(4875+1_4876-1)del in individuals affected with Autosomal Recessive Nonsyndromic Hearing Loss 3 and no experimental evidence demonstrating its impact on protein function have been reported. No submitters have cited clinical-significance assessments for this variant to ClinVar. Based on the evidence outlined above, the variant was classified as pathogenic.